The following is an entry in ClinVar:

ClinVar aggregate classification (germline): Benign/Likely benign. Review status: criteria provided, multiple submitters, no conflicts (2 of 4 stars). 5 submissions from 5 submitters: Benign (3); Likely benign (2). Last evaluated 2026-01-09.

Conditions:
PRDM12-related disorder. Also called: PRDM12-related condition.
Inborn genetic diseases. Identifiers: MedGen C0950123, MeSH D030342.
Congenital insensitivity to pain-hypohidrosis syndrome. Also called: Neuropathy, hereditary sensory and autonomic, type VIII; HSAN VIII. Identifiers: Orphanet 478664, MedGen C4225308, MONDO:0014662, OMIM 616488.

Allele frequency attached by ClinVar (database versions not stated): ESP Exome Variant Server 0.00008; gnomAD 0.00079 and 0.00109; TOPMed 0.00202; ExAC 0.00268; 1000 Genomes Project 30x 0.00453; 1000 Genomes Project 0.00539.
gnomAD v4.1: 1,241 of 1,600,044 alleles (0.078%); highest among the groups gnomAD compares: East Asian, 2.6%; 25 homozygotes.

Submissions (5):

Labcorp Genetics (formerly Invitae), Labcorp
Classification: Benign for Congenital insensitivity to pain-hypohidrosis syndrome. Last evaluated: 2026-01-09. Review status: criteria provided, single submitter. Criteria: Invitae Variant Classification Sherloc (09022015). Collection method: clinical testing. Allele origin: germline.

PreventionGenetics, part of Exact Sciences
Classification: Benign for PRDM12-related condition. Last evaluated: 2025-08-11. Review status: criteria provided, single submitter. Criteria: ACMG Guidelines, 2015. Collection method: clinical testing. Allele origin: germline.
Comment: This variant is classified as benign based on ACMG/AMP sequence variant interpretation guidelines (Richards et al. 2015 PMID: 25741868, with internal and published modifications).

Mayo Clinic Laboratories, Mayo Clinic
Classification: Benign. Last evaluated: 2025-07-17. Review status: criteria provided, single submitter. Criteria: ACMG Guidelines, 2015. Collection method: clinical testing. Allele origin: germline. Observed: 1 variant allele.
Comment: BA1

GeneDx
Classification: Likely benign. Last evaluated: 2021-03-24. Review status: criteria provided, single submitter. Criteria: GeneDx Variant Classification Process June 2021. Collection method: clinical testing. Allele origin: germline. Affected: yes.

Ambry Genetics
Classification: Likely benign for Inborn genetic diseases. Last evaluated: 2019-07-11. Review status: criteria provided, single submitter. Criteria: Ambry Variant Classification Scheme 2023. Collection method: clinical testing. Allele origin: germline.

NM_021619.3(PRDM12):c.855G>A (p.Thr285=)

Gene: PRDM12 (PR/SET domain 12; plus strand). Cytogenetic location: 9q34.12.
Variant type: single nucleotide variant.
Coding change: c.855G>A on transcript NM_021619.3 (MANE Select); coding-DNA position 855, G replaced by A.
Protein change: p.Thr285=; no amino-acid change (threonine 285 retained).
Molecular consequence: synonymous variant.
Genome position (GRCh38, 1-based): chr9:130,681,420, G>A. VCF-style: chr9-130681420-G-A. GRCh37 (hg19) VCF-style: chr9-133556807-G-A.
Other names: p.Thr285=.
Identifiers: ClinVar variation 475817 (VCV000475817.19), dbSNP rs76175818, ClinGen allele CA5284667.